The following is an entry in ClinVar:

ClinVar aggregate classification (germline): Uncertain significance (1 of 4 stars; one submission).

Submission:

Labcorp Genetics (formerly Invitae), Labcorp
Classification: Uncertain significance. Last evaluated: 2025-12-24. Review status: criteria provided, single submitter. Criteria: Invitae Variant Classification Sherloc (09022015). Collection method: clinical testing. Allele origin: germline.
Comment: This sequence change falls in intron 18 of the KMT2E gene. It does not directly change the encoded amino acid sequence of the KMT2E protein. This variant is present in population databases (rs759958996, gnomAD 0.01%). This variant has not been reported in the literature in individuals affected with KMT2E-related conditions. Algorithms developed to predict the effect of sequence changes on RNA splicing suggest that this variant may disrupt the consensus splice site. In summary, the available evidence is currently insufficient to determine the role of this variant in disease. Therefore, it has been classified as a Variant of Uncertain Significance.

NM_182931.3(KMT2E):c.2452-13_2452-12del

Gene: KMT2E (lysine methyltransferase 2E (inactive); plus strand). Cytogenetic location: 7q22.3.
Variant type: Deletion.
Coding change: c.2452-13_2452-12del on transcript NM_182931.3 (MANE Select); 13 bases into the intron before coding-DNA position 2452 through 12 bases into the intron before coding-DNA position 2452, 2 bases deleted (CT; older notation c.2452-13_2452-12delCT).
Molecular consequence: intron variant.
Genome position (GRCh38, 1-based): chr7:105,105,846-105,105,847, CT deleted; deleting any 2 consecutive bases within chr7:105,105,845-105,105,847 gives the same sequence; the c. name uses the placement nearest the transcript's 3' end. VCF-style (leftmost placement, unchanged base first): chr7-105105844-TTC-T. GRCh37 (hg19) VCF-style: chr7-104746291-TTC-T.
Other names: c.2452-13_2452-12del (NM_001410908.1, NM_018682.4).
Identifiers: ClinVar variation 4763231 (VCV004763231.1).
Genomic context (GRCh38, chr7:105,105,844, plus strand): 5'-TCGGCTCTGTATTTACAGGCTATATAAACAGCTACAAAGTGATTCCTGTTCATTCATGTA[TTC>T]TGTTTTATTCAGCGATGGTTGAAACAAGCTCTGGAAGAAGAAAATTCAGCAATTTTACAT-3'